The following is an entry in ClinVar:

ClinVar aggregate classification (germline): Uncertain significance. Review status: criteria provided, multiple submitters, no conflicts (2 of 4 stars). 3 submissions from 3 submitters: Uncertain significance (3). Last evaluated 2023-03-08.

Conditions:
Hereditary cancer-predisposing syndrome. Also called: Neoplastic Syndromes, Hereditary; Tumor predisposition; Hereditary Cancer Syndrome; Hereditary neoplastic syndrome. Identifiers: Orphanet 140162, MedGen C0027672, MeSH D009386, MONDO:0015356.
Familial adenomatous polyposis 1 (FAP1). Also called: FAMILIAL ADENOMATOUS POLYPOSIS 1, ATTENUATED; POLYPOSIS, ADENOMATOUS INTESTINAL. Identifiers: MedGen C2713442, MONDO:0021056, OMIM 175100. Disease mechanism: loss of function.

Submissions (3):

Labcorp Genetics (formerly Invitae), Labcorp
Classification: Uncertain significance for Familial adenomatous polyposis 1. Last evaluated: 2023-03-08. Review status: criteria provided, single submitter. Criteria: Invitae Variant Classification Sherloc (09022015). Collection method: clinical testing. Allele origin: germline.
Comment: ClinVar contains an entry for this variant (Variation ID: 924884). In summary, the available evidence is currently insufficient to determine the role of this variant in disease. Therefore, it has been classified as a Variant of Uncertain Significance. Experimental studies and prediction algorithms are not available or were not evaluated, and the functional significance of this variant is currently unknown. This variant has not been reported in the literature in individuals affected with APC-related conditions. This variant is not present in population databases (gnomAD no frequency). This variant, c.5272_5274dup, results in the insertion of 1 amino acid(s) of the APC protein (p.Ser1758dup), but otherwise preserves the integrity of the reading frame.

Ambry Genetics
Classification: Uncertain significance for Hereditary cancer-predisposing syndrome. Last evaluated: 2020-02-28. Review status: criteria provided, single submitter. Criteria: Ambry Variant Classification Scheme 2023. Collection method: clinical testing. Allele origin: germline.
Comment: The c.5272_5274dupTCT variant (also known as p.S1758dup), located in coding exon 15 of the APC gene, results from an in-frame duplication of TCT at nucleotide positions 5272 to 5274. This results in the duplication of an extra serine residue between codons 1758 and 1759. This amino acid position is well conserved in available vertebrate species. In addition, this alteration is predicted to be neutral by in silico analysis (Choi Y et al. PLoS ONE. 2012; 7(10):e46688). Since supporting evidence is limited at this time, the clinical significance of this alteration remains unclear.

Color Diagnostics, LLC DBA Color Health
Classification: Uncertain significance for Hereditary cancer-predisposing syndrome. Last evaluated: 2018-10-25. Review status: criteria provided, single submitter. Criteria: ACMG Guidelines, 2015. Collection method: clinical testing. Allele origin: germline.

NM_000038.6(APC):c.5266TCT[4] (p.Ser1758dup)

Gene: APC (APC regulator of Wnt signaling pathway; plus strand). Cytogenetic location: 5q22.2.
Variant type: Microsatellite.
Coding change: c.5266TCT[4] on transcript NM_000038.6 (MANE Select); four copies in a row of the 3-base unit TCT starting at c.5266; the reference has three copies in a row; one copy, 3 bases duplicated.
Protein change: p.Ser1758dup; duplicates serine 1758.
Molecular consequence: inframe insertion.
Genome position (GRCh38, 1-based): chr5:112,840,866-112,840,868, TCT duplicated; duplicating any 3 consecutive bases within chr5:112,840,860-112,840,868 gives the same sequence; the position shown is the placement nearest the transcript's 3' end. VCF-style (leftmost placement, unchanged base first): chr5-112840859-G-GTCT. GRCh37 (hg19) VCF-style: chr5-112176556-G-GTCT.
Other names: c.5266TCT[4], p.Ser1758dup (NM_001127510.3, NM_001354895.2); c.5212TCT[4], p.Ser1740dup (NM_001127511.3); c.5320TCT[4], p.Ser1776dup (NM_001354896.2); c.5296TCT[4], p.Ser1768dup (NM_001354897.2); c.5191TCT[4], p.Ser1733dup (NM_001354898.2); c.5182TCT[4], p.Ser1730dup (NM_001354899.2); c.5143TCT[4], p.Ser1717dup (NM_001354900.2); c.5089TCT[4], p.Ser1699dup (NM_001354901.2); and 6 more.
Identifiers: ClinVar variation 924884 (VCV000924884.15), dbSNP rs780061589, ClinGen allele CA913188211.
Genomic context (GRCh38, chr5:112,840,859, plus strand): 5'-GAAAAGTCACAAGCCTTTCCGTGTGAAAAAGATAATGGACCAGGTCCAGCAAGCATCTGC[G>GTCT]TCTTCTTCTGCACCCAACAAAAATCAGTTAGATGGTAAGAAAAAGAAACCAACTTCACCA-3'